The following is an entry in ClinVar:

NM_007294.4(BRCA1):c.3370T>G (p.Phe1124Val)

Genes: BRCA1 (BRCA1 DNA repair associated; minus strand), LOC126862571 (BRD4-independent group 4 enhancer GRCh37_chr17:41243136-41244335; plus strand). Cytogenetic location: 17q21.31.
Variant type: single nucleotide variant.
Coding change: c.3370T>G on transcript NM_007294.4 (MANE Select); coding-DNA position 3370, T replaced by G.
Protein change: p.Phe1124Val; replaces phenylalanine 1124 with valine.
Molecular consequence: missense variant. On other transcripts: intron variant (137).
Genome position (GRCh38, 1-based): chr17:43,092,161, A>C on the plus strand (T>G on the coding strand, the complement: BRCA1 is on the minus strand). VCF-style: chr17-43092161-A-C. GRCh37 (hg19) VCF-style: chr17-41244178-A-C.
Other names: c.662-1129T>G (NM_001408445.1, NM_001408432.1, NM_001408450.1 and 6 more transcripts); c.668-1129T>G (NM_001408431.1, NM_001408424.1, NM_001408421.1); c.785-1129T>G (NM_001408407.1, NM_001408402.1, NM_001408473.1 and 13 more transcripts); c.665-1129T>G (NM_001408443.1, NM_001408439.1, NM_001408425.1 and 12 more transcripts); c.671-1129T>G (NM_001408419.1, NM_001408422.1, NM_001408418.1 and 2 more transcripts); c.788-1129T>G (NM_001408403.1, NM_001407983.1, NM_001407975.1 and 17 more transcripts); c.791-1138T>G (NM_001408406.1); c.647-1129T>G (NM_001408456.1, NM_001408410.1, NM_001408458.1 and 11 more transcripts); and 41 more; short protein forms F1054V, F1056V, F1057V, F1124V, F828V, F1013V, F1035V, F1036V.
Identifiers: ClinVar variation 4625431 (VCV004625431.1).

ClinVar aggregate classification (germline): Uncertain significance (1 of 4 stars; one submission).

Conditions:
Hereditary cancer-predisposing syndrome. Also called: Neoplastic Syndromes, Hereditary; Tumor predisposition; Hereditary Cancer Syndrome; Hereditary neoplastic syndrome. Identifiers: Orphanet 140162, MedGen C0027672, MeSH D009386, MONDO:0015356.

Submission:

Ambry Genetics
Classification: Uncertain significance for Hereditary cancer-predisposing syndrome. Last evaluated: 2025-11-05. Review status: criteria provided, single submitter. Criteria: Ambry Variant Classification Scheme 2023. Collection method: clinical testing. Allele origin: germline.
Comment: The p.F1124V variant (also known as c.3370T>G), located in coding exon 9 of the BRCA1 gene, results from a T to G substitution at nucleotide position 3370. The phenylalanine at codon 1124 is replaced by valine, an amino acid with highly similar properties. This amino acid position is not well conserved in available vertebrate species. In addition, the in silico prediction for this alteration is inconclusive. Based on the available evidence, the clinical significance of this variant remains unclear.